The following is an entry in ClinVar:

NM_006015.6(ARID1A):c.6482C>T (p.Pro2161Leu)

Gene: ARID1A (AT-rich interaction domain 1A; plus strand). Cytogenetic location: 1p36.11.
Variant type: single nucleotide variant.
Coding change: c.6482C>T on transcript NM_006015.6 (MANE Select); coding-DNA position 6482, C replaced by T.
Protein change: p.Pro2161Leu; replaces proline 2161 with leucine.
Molecular consequence: missense variant.
Genome position (GRCh38, 1-based): chr1:26,780,380, C>T. VCF-style: chr1-26780380-C-T. GRCh37 (hg19) VCF-style: chr1-27106871-C-T.
Other names: c.5831C>T, p.Pro1944Leu (NM_139135.4); short protein forms P1944L, P2161L.
Identifiers: ClinVar variation 2957919 (VCV002957919.3), dbSNP rs749602456, ClinGen allele CA707845.
Genomic context (GRCh38, chr1:26,780,380, plus strand): 5'-TCAGCCGCCTGGAGAAGTTGTATAGCACTATGGTGCGCTTCCTCAGTGACCGAAAGAACC[C>T]GGTGTGCCGGGAGATGGCTGTGGTACTGCTGGCCAACCTGGCTCAGGGGGACAGCCTGGC-3'
Protein context (NP_006006.3, residues 2151-2171): MVRFLSDRKN[Pro2161Leu]VCREMAVVLL

ClinVar aggregate classification (germline): Uncertain significance (1 of 4 stars; one submission).

Allele frequency attached by ClinVar (database versions not stated): ExAC 0.00001; gnomAD exomes 0.00001.
gnomAD v4.1: 16 of 1,614,238 alleles (0.00099%); highest among the groups gnomAD compares: Admixed American, 0.0067%; no homozygotes.

Submission:

Labcorp Genetics (formerly Invitae), Labcorp
Classification: Uncertain significance. Last evaluated: 2023-04-19. Review status: criteria provided, single submitter. Criteria: Invitae Variant Classification Sherloc (09022015). Collection method: clinical testing. Allele origin: germline.
Comment: Advanced modeling of protein sequence and biophysical properties (such as structural, functional, and spatial information, amino acid conservation, physicochemical variation, residue mobility, and thermodynamic stability) performed at Invitae indicates that this missense variant is not expected to disrupt ARID1A protein function. This variant has not been reported in the literature in individuals affected with ARID1A-related conditions. This variant is present in population databases (rs749602456, gnomAD 0.01%). This sequence change replaces proline, which is neutral and non-polar, with leucine, which is neutral and non-polar, at codon 2161 of the ARID1A protein (p.Pro2161Leu). In summary, the available evidence is currently insufficient to determine the role of this variant in disease. Therefore, it has been classified as a Variant of Uncertain Significance.